The following is an entry in ClinVar:

NM_014474.4(SMPDL3B):c.374-7T>C

Gene: SMPDL3B (sphingomyelin phosphodiesterase acid like 3B; plus strand). Cytogenetic location: 1p35.3.
Variant type: single nucleotide variant.
Coding change: c.374-7T>C on transcript NM_014474.4 (MANE Select); 7 bases into the intron before coding-DNA position 374, T replaced by C.
Molecular consequence: intron variant.
Genome position (GRCh38, 1-based): chr1:27,953,208, T>C. VCF-style: chr1-27953208-T-C. GRCh37 (hg19) VCF-style: chr1-28279719-T-C.
Other names: c.-245-7T>C (NM_001304579.2); c.374-7T>C (NM_001009568.3).
Identifiers: ClinVar variation 3904904 (VCV003904904.10).

ClinVar aggregate classification (germline): Likely benign (1 of 4 stars; one submission).

gnomAD v4.1: 4,779 of 1,605,472 alleles (0.3%); highest among the groups gnomAD compares: Non-Finnish European, 0.38%; 14 homozygotes.

Submission:

CeGaT Center for Human Genetics Tuebingen
Classification: Likely benign. Last evaluated: 2025-06-01. Review status: criteria provided, single submitter. Criteria: CeGaT Center For Human Genetics Tuebingen Variant Classification Criteria Version 2. Collection method: clinical testing. Allele origin: germline. Affected: yes. Observed: 1 variant allele.
Comment: SMPDL3B: BP4, BS2